The following is an entry in ClinVar:

ClinVar aggregate classification (germline): Uncertain significance (1 of 4 stars; one submission).

Conditions:
Hereditary cancer-predisposing syndrome. Also called: Neoplastic Syndromes, Hereditary; Tumor predisposition; Hereditary neoplastic syndrome; Hereditary Cancer Syndrome. Identifiers: Orphanet 140162, MedGen C0027672, MeSH D009386, MONDO:0015356.

Submission:

Ambry Genetics
Classification: Uncertain significance for Hereditary cancer-predisposing syndrome. Last evaluated: 2024-07-13. Review status: criteria provided, single submitter. Criteria: Ambry Variant Classification Scheme 2023. Collection method: clinical testing. Allele origin: germline.
Comment: The p.C133W variant (also known as c.399T>G), located in coding exon 4 of the RAD50 gene, results from a T to G substitution at nucleotide position 399. The cysteine at codon 133 is replaced by tryptophan, an amino acid with highly dissimilar properties. This amino acid position is highly conserved in available vertebrate species. In addition, this alteration is predicted to be deleterious by in silico analysis. Since supporting evidence is limited at this time, the clinical significance of this alteration remains unclear.

NM_005732.4(RAD50):c.399T>G (p.Cys133Trp)

Gene: RAD50 (RAD50 double strand break repair protein; plus strand). Cytogenetic location: 5q31.1.
Variant type: single nucleotide variant.
Coding change: c.399T>G on transcript NM_005732.4 (MANE Select); coding-DNA position 399, T replaced by G.
Protein change: p.Cys133Trp; replaces cysteine 133 with tryptophan.
Molecular consequence: missense variant.
Genome position (GRCh38, 1-based): chr5:132,579,350, T>G. VCF-style: chr5-132579350-T-G. GRCh37 (hg19) VCF-style: chr5-131915042-T-G.
Other names: short protein forms C133W.
Identifiers: ClinVar variation 824473 (VCV000824473.5), dbSNP rs1060504405, ClinGen allele CA360933621.